The following is an entry in ClinVar:

NM_004738.5(VAPB):c.114_118del (p.Asn39fs)

Gene: VAPB (VAMP associated protein B and C; plus strand). Cytogenetic location: 20q13.32.
Variant type: Deletion.
Coding change: c.114_118del on transcript NM_004738.5 (MANE Select); coding-DNA positions 114 to 118, 5 bases deleted (AAATG; older notation c.114_118delAAATG).
Protein change: p.Asn39fs; shifts the reading frame from asparagine 39.
Molecular consequence: frameshift variant. On other transcripts: non-coding transcript variant (1).
Genome position (GRCh38, 1-based): chr20:58,418,266-58,418,270, AAATG deleted; deleting any 5 consecutive bases within chr20:58,418,265-58,418,270 gives the same sequence; the c. name uses the placement nearest the transcript's 3' end. VCF-style (leftmost placement, unchanged base first): chr20-58418264-CGAAAT-C. GRCh37 (hg19) VCF-style: chr20-56993320-CGAAAT-C.
Other names: c.114_118del, p.Asn39fs (NM_001195677.2); short protein forms N39fs.
Identifiers: ClinVar variation 1730942 (VCV001730942.5), dbSNP rs745902026, ClinGen allele CA9924175.
Genomic context (GRCh38, chr20:58,418,264, plus strand): 5'-TCTACAGGTCCCTTCACCGATGTTGTCACCACCAACCTAAAGCTTGGCAACCCGACAGAC[CGAAAT>C]GTGTGTTTTAAGGTGAAGACTACAGCACCACGTAGGTACTGTGTGAGGCCCAACAGCGGA-3'

ClinVar aggregate classification (germline): Uncertain significance. Review status: criteria provided, multiple submitters, no conflicts (2 of 4 stars). 2 submissions from 2 submitters: Uncertain significance (2). Last evaluated 2023-09-12.

Conditions:
Amyotrophic lateral sclerosis type 8 (ALS8). Identifiers: Orphanet 803, MedGen C1837728, MONDO:0012077, OMIM 608627.
Adult-onset proximal spinal muscular atrophy, autosomal dominant. Also called: FINKEL LATE-ADULT TYPE SMA; Spinal muscular atrophy, late-onset, finkel type. Identifiers: Orphanet 209335, MedGen C1854058, MONDO:0008453, OMIM 182980.
Inborn genetic diseases. Identifiers: MedGen C0950123, MeSH D030342.

Submissions (2):

Labcorp Genetics (formerly Invitae), Labcorp
Classification: Uncertain significance for Adult-onset proximal spinal muscular atrophy, autosomal dominant; Amyotrophic lateral sclerosis type 8. Last evaluated: 2023-09-12. Review status: criteria provided, single submitter. Criteria: Invitae Variant Classification Sherloc (09022015). Collection method: clinical testing. Allele origin: germline.
Comment: In summary, the available evidence is currently insufficient to determine the role of this variant in disease. Therefore, it has been classified as a Variant of Uncertain Significance. ClinVar contains an entry for this variant (Variation ID: 1730942). This variant has not been reported in the literature in individuals affected with VAPB-related conditions. This variant is present in population databases (rs745902026, gnomAD 0.0009%). This sequence change creates a premature translational stop signal (p.Asn39Valfs*3) in the VAPB gene. It is expected to result in an absent or disrupted protein product. However, the current clinical and genetic evidence is not sufficient to establish whether loss-of-function variants in VAPB cause disease.

Ambry Genetics
Classification: Uncertain significance for Inborn genetic diseases. Last evaluated: 2022-09-23. Review status: criteria provided, single submitter. Criteria: Ambry Variant Classification Scheme 2023. Collection method: clinical testing. Allele origin: germline.
Comment: The c.114_118delAAATG variant, located in coding exon 2 of the VAPB gene, results from a deletion of 5 nucleotides at nucleotide positions 114 to 118, causing a translational frameshift with a predicted alternate stop codon (p.N39Vfs*3). This alteration is expected to result in loss of function by premature protein truncation or nonsense-mediated mRNA decay. However, loss of function of VAPB has not been established as a mechanism of disease. Since supporting evidence is limited at this time, the clinical significance of this alteration remains unclear.